The following is an entry in ClinVar:

ClinVar aggregate classification (germline): Uncertain significance (1 of 4 stars; one submission).

Submission:

CeGaT Center for Human Genetics Tuebingen
Classification: Uncertain significance. Last evaluated: 2024-05-01. Review status: criteria provided, single submitter. Criteria: CeGaT Center For Human Genetics Tuebingen Variant Classification Criteria Version 2. Collection method: clinical testing. Allele origin: germline. Affected: yes. Observed: 1 variant allele.
Comment: NRXN2: PM2

NM_015080.4(NRXN2):c.2708A>G (p.Tyr903Cys)

Gene: NRXN2 (neurexin 2; minus strand). Cytogenetic location: 11q13.1.
Variant type: single nucleotide variant.
Coding change: c.2708A>G on transcript NM_015080.4 (MANE Select); coding-DNA position 2708, A replaced by G.
Protein change: p.Tyr903Cys; replaces tyrosine 903 with cysteine.
Molecular consequence: missense variant.
Genome position (GRCh38, 1-based): chr11:64,651,465, T>C on the plus strand (A>G on the coding strand, the complement: NRXN2 is on the minus strand). VCF-style: chr11-64651465-T-C. GRCh37 (hg19) VCF-style: chr11-64418937-T-C.
Other names: c.2708A>G, p.Tyr903Cys (NM_001376262.1); c.2687A>G, p.Tyr896Cys (NM_001376263.1, NM_001376267.1); c.2663A>G, p.Tyr888Cys (NM_001376265.1); c.2684A>G, p.Tyr895Cys (NM_001376266.1); c.2588A>G, p.Tyr863Cys (NM_138732.3); short protein forms Y863C, Y888C, Y895C, Y896C, Y903C.
Identifiers: ClinVar variation 3239591 (VCV003239591.19), dbSNP rs2495964335.